The following is an entry in ClinVar:

NM_181523.3(PIK3R1):c.1042C>T (p.Arg348Ter)

Gene: PIK3R1 (phosphoinositide-3-kinase regulatory subunit 1; plus strand). Cytogenetic location: 5q13.1.
Variant type: single nucleotide variant.
Coding change: c.1042C>T on transcript NM_181523.3 (MANE Select); coding-DNA position 1042, C replaced by T.
Protein change: p.Arg348Ter; replaces arginine 348 with a stop codon.
Molecular consequence: nonsense. On other transcripts: 5 prime UTR variant (1).
Genome position (GRCh38, 1-based): chr5:68,293,123, C>T. VCF-style: chr5-68293123-C-T. GRCh37 (hg19) VCF-style: chr5-67588951-C-T.
Other names: c.-48C>T (NM_001242466.2); c.232C>T, p.Arg78Ter (NM_181504.4); c.142C>T, p.Arg48Ter (NM_181524.2); short protein forms R348*, R78*, R48*.
Identifiers: ClinVar variation 379688 (VCV000379688.1), dbSNP rs1057520690, ClinGen allele CA16604912.

ClinVar aggregate classification (germline): Pathogenic (1 of 4 stars; one submission).

Allele frequency attached by ClinVar (database versions not stated): TOPMed 0.00001 and below 0.00001.

Submission:

GeneDx
Classification: Pathogenic. Last evaluated: 2015-05-04. Review status: criteria provided, single submitter. Criteria: GeneDx Variant Classification (06012015). Collection method: clinical testing. Allele origin: germline. Affected: yes.
Comment: The R348X variant in the PIK3R1 gene has not been reported previously as a pathogenic variant noras a benign polymorphism, to our knowledge. This variant is predicted to cause loss of normal proteinfunction either through protein truncation or nonsense-mediated mRNA decay. The R348X variant was notobserved in approximately 6,500 individuals of European and African American ancestry in the NHLBI ExomeSequencing Project, indicating it is not a common benign variant in these populations. We interpret R348X asa pathogenic variant.